The following is an entry in ClinVar:

NM_000278.5(PAX2):c.220G>T (p.Glu74Ter)

Gene: PAX2 (paired box 2; plus strand). Cytogenetic location: 10q24.31.
Variant type: single nucleotide variant.
Coding change: c.220G>T on transcript NM_000278.5 (MANE Select); coding-DNA position 220, G replaced by T.
Protein change: p.Glu74Ter; replaces glutamic acid 74 with a stop codon.
Molecular consequence: nonsense.
Genome position (GRCh38, 1-based): chr10:100,750,701, G>T. VCF-style: chr10-100750701-G-T. GRCh37 (hg19) VCF-style: chr10-102510458-G-T.
Other names: c.313G>T, p.Glu105Ter (NM_001304569.2); c.220G>T, p.Glu74Ter (NM_003987.5, NM_003988.5, NM_003989.5 and 1 more transcripts); short protein forms E74*, E105*.
Identifiers: ClinVar variation 562404 (VCV000562404.3), dbSNP rs754146050, ClinGen allele CA378257798.

ClinVar aggregate classification (germline): Pathogenic. Review status: criteria provided, single submitter (1 of 4 stars). 2 submissions from 2 submitters: Pathogenic (1). 1 of the submissions does not count toward it. Last evaluated 2024-04-14.

Conditions:
Focal segmental glomerulosclerosis 7 (FSGS7). Identifiers: Orphanet 656, MedGen C4014925, MONDO:0014451, OMIM 616002.
Renal coloboma syndrome (PAPRS). Also called: PAPILLORENAL SYNDROME; OPTIC COLOBOMA, VESICOURETERAL REFLUX, AND RENAL ANOMALIES; OPTIC NERVE COLOBOMA WITH RENAL DISEASE; RENAL-COLOBOMA SYNDROME WITH MACULAR ABNORMALITIES; COLOBOMA OF OPTIC NERVE WITH RENAL DISEASE; CONGENITAL ANOMALIES OF THE KIDNEY AND URINARY TRACT WITH OR WITHOUT OCULAR ABNORMALITIES. Identifiers: Orphanet 1475, MedGen C1852759, MONDO:0007352, OMIM 120330.

gnomAD v4.1: 1 of 1,614,060 alleles (0.000062%); highest among the groups gnomAD compares: South Asian, 0.0011%; no homozygotes.

Submissions (2):

Labcorp Genetics (formerly Invitae), Labcorp
Classification: Pathogenic for Renal coloboma syndrome; Focal segmental glomerulosclerosis 7. Last evaluated: 2024-04-14. Review status: criteria provided, single submitter. Criteria: Invitae Variant Classification Sherloc (09022015). Collection method: clinical testing. Allele origin: germline.
Comment: This sequence change creates a premature translational stop signal (p.Glu74*) in the PAX2 gene. It is expected to result in an absent or disrupted protein product. Loss-of-function variants in PAX2 are known to be pathogenic (PMID: 11461952, 24676634, 35444690). This variant is not present in population databases (gnomAD no frequency). This premature translational stop signal has been observed in individual(s) with PAX2-related conditions (PMID: 30586318, 32203253). ClinVar contains an entry for this variant (Variation ID: 562404). For these reasons, this variant has been classified as Pathogenic.

Gharavi Laboratory, Columbia University
Classification: Likely pathogenic. Last evaluated: 2018-09-16. Review status: no assertion criteria provided. Criteria: ACMG Guidelines, 2015. Collection method: research. Allele origin: germline. Affected: yes. Not counted in ClinVar's aggregate classification.

Literature cited by the submitters: PubMed 11461952 (cited by Labcorp Genetics (formerly Invitae), Labcorp); PubMed 24676634 (cited by Labcorp Genetics (formerly Invitae), Labcorp); PubMed 35444690 (cited by Labcorp Genetics (formerly Invitae), Labcorp); PubMed 30586318 (cited by Labcorp Genetics (formerly Invitae), Labcorp); PubMed 32203253 (cited by Labcorp Genetics (formerly Invitae), Labcorp).